The following is an entry in ClinVar:

NM_198834.3(ACACA):c.2749G>C (p.Asp917His)

Gene: ACACA (acetyl-CoA carboxylase alpha; minus strand). Cytogenetic location: 17q12.
Variant type: single nucleotide variant.
Coding change: c.2749G>C on transcript NM_198834.3 (MANE Select); coding-DNA position 2749, G replaced by C.
Protein change: p.Asp917His; replaces aspartic acid 917 with histidine.
Molecular consequence: missense variant.
Genome position (GRCh38, 1-based): chr17:37,243,553, C>G on the plus strand (G>C on the coding strand, the complement: ACACA is on the minus strand). VCF-style: chr17-37243553-C-G. GRCh37 (hg19) VCF-style: chr17-35600469-C-G.
Other names: p.Asp880His; c.2749G>C (NM_198834.2); c.2638G>C, p.Asp880His (NM_198836.3, NM_198839.3); c.2464G>C, p.Asp822His (NM_198837.2); c.2404G>C, p.Asp802His (NM_198838.2); c.2638G>C (NM_198839.2); short protein forms D802H, D822H, D880H, D917H.
Identifiers: ClinVar variation 1528983 (VCV001528983.11), dbSNP rs17848759, ClinGen allele CA8515507.

ClinVar aggregate classification (germline): Benign. Review status: criteria provided, multiple submitters, no conflicts (2 of 4 stars). 3 submissions from 3 submitters: Benign (2). 1 of the submissions does not count toward it. Last evaluated 2026-01-21.

Conditions:
ACACA-related disorder. Also called: ACACA-related condition.

Allele frequency attached by ClinVar (database versions not stated): ESP Exome Variant Server 0.00023; gnomAD 0.00082 and 0.00123; TOPMed 0.00111; gnomAD exomes 0.00210; ExAC 0.00226; 1000 Genomes Project 30x 0.00312; 1000 Genomes Project 0.00359.
gnomAD v4.1: 1,892 of 1,613,910 alleles (0.12%); highest among the groups gnomAD compares: East Asian, 3.4%; 38 homozygotes.

Submissions (3):

Labcorp Genetics (formerly Invitae), Labcorp
Classification: Benign. Last evaluated: 2026-01-21. Review status: criteria provided, single submitter. Criteria: Invitae Variant Classification Sherloc (09022015). Collection method: clinical testing. Allele origin: germline.

Mayo Clinic Laboratories, Mayo Clinic
Classification: Benign. Last evaluated: 2022-06-17. Review status: criteria provided, single submitter. Criteria: ACMG Guidelines, 2015. Collection method: clinical testing. Allele origin: germline. Observed: 4 variant alleles.
Comment: BA1

PreventionGenetics, part of Exact Sciences
Classification: Benign for ACACA-related condition. Last evaluated: 2019-04-01. Review status: no assertion criteria provided. Collection method: clinical testing. Allele origin: germline. Not counted in ClinVar's aggregate classification.
Comment: This variant is classified as benign based on ACMG/AMP sequence variant interpretation guidelines (Richards et al. 2015 PMID: 25741868, with internal and published modifications).